The following is an entry in ClinVar:

NM_000322.5(PRPH2):c.625G>A (p.Val209Ile)

Gene: PRPH2 (peripherin 2; minus strand). Cytogenetic location: 6p21.1.
Variant type: single nucleotide variant.
Coding change: c.625G>A on transcript NM_000322.5 (MANE Select); coding-DNA position 625, G replaced by A.
Protein change: p.Val209Ile; replaces valine 209 with isoleucine.
Molecular consequence: missense variant.
Genome position (GRCh38, 1-based): chr6:42,704,568, C>T on the plus strand (G>A on the coding strand, the complement: PRPH2 is on the minus strand). VCF-style: chr6-42704568-C-T. GRCh37 (hg19) VCF-style: chr6-42672306-C-T.
Other names: short protein forms V209I.
Identifiers: ClinVar variation 1067264 (VCV001067264.16), dbSNP rs753657349, ClinGen allele CA3808567.

ClinVar aggregate classification (germline): Likely pathogenic. Review status: criteria provided, multiple submitters, no conflicts (2 of 4 stars). 7 submissions from 7 submitters: Likely pathogenic (6). 1 of the submissions does not count toward it. Last evaluated 2025-02-05.

Conditions:
PRPH2-related disorder. Also called: PRPH2-related disorders; PRPH2-related condition. Identifiers: MedGen CN239395.
Retinitis pigmentosa 7 (RP7). Identifiers: Orphanet 791, MedGen C1842475, MONDO:0011974, OMIM 608133.
Patterned macular dystrophy 1. Also called: BUTTERFLY DYSTROPHY OF RETINAL PIGMENT EPITHELIUM; MACULAR DYSTROPHY, BUTTERFLY-SHAPED PIGMENTARY. Identifiers: Orphanet 99001, MedGen C4551999, MONDO:0008210, OMIM 169150.
Vitelliform macular dystrophy 3 (VMD3). Also called: PRPH2 vitelliform macular dystrophy; vitelliform macular dystrophy caused by mutation in PRPH2. Identifiers: MedGen CN295869, MONDO:0024561, OMIM 608161.
Pigmentary retinal dystrophy. Also called: Fundus albipunctatus. Identifiers: Orphanet 227796, Orphanet 52427, MedGen C0311338, MONDO:0007639, OMIM 136880, HP:0030642.
Choroidal dystrophy, central areolar 2 (CACD2). Also called: MACULAR DYSTROPHY, PROGRESSIVE; Choriodal Dystrophy, Central Areolar 2. Identifiers: Orphanet 75377, MedGen C2751290, MONDO:0013137, OMIM 613105.

Allele frequency attached by ClinVar (database versions not stated): TOPMed below 0.00001; ExAC 0.00001; gnomAD 0.00002; gnomAD exomes 0.00002.
gnomAD v4.1: 25 of 1,614,032 alleles (0.0015%); highest among the groups gnomAD compares: Admixed American, 0.01%; no homozygotes.

Submissions (7):

SingHealth Duke-NUS Institute of Precision Medicine
Classification: Likely pathogenic for Retinitis pigmentosa 7. Last evaluated: 2025-02-05. Review status: criteria provided, single submitter. Criteria: PRISM ACMG Classification Criteria. Collection method: clinical testing. Allele origin: germline. Affected: yes.
Comment: Variant is in mutational hotspot where >50% of variants are pathogenic (PM1). In vivo analysis of disease associated point mutations in PRPH2 gene suggests that differential splicing of PRPH2 in rods and cones might influence the disease mechanisms of single point mutations on transcript level. The mutants (V209I, R195L, and R220Q) in cones, resulted in a strong increase in the percentage of the correctly spliced PRPH2 isoform, which was accompanied by an appropriate decrease in the unspliced transcript. In Western blot analysis, a robust increase in protein expression was detected for these mutants compared to the WT. These findings are in line with the strongly increased splicing efficiency of these three mutants resulting in higher levels of correctly spliced PRPH2 in cones (PMID: 26796962). Other change on this amino acid residue has been classified as pathogenic (PM5, NP_000313.2:p.Val209Asp). Homozygous allele count in gnomAD exomes and genomes are less than 0 (PM2).

Labcorp Genetics (formerly Invitae), Labcorp
Classification: Likely pathogenic for PRPH2-related disorder. Last evaluated: 2024-10-21. Review status: criteria provided, single submitter. Criteria: Invitae Variant Classification Sherloc (09022015). Collection method: clinical testing. Allele origin: germline.
Comment: This sequence change replaces valine, which is neutral and non-polar, with isoleucine, which is neutral and non-polar, at codon 209 of the PRPH2 protein (p.Val209Ile). This variant is present in population databases (rs753657349, gnomAD 0.01%). This missense change has been observed in individual(s) with clinical features of autosomal dominant macular dystrophy (PMID: 20213611). ClinVar contains an entry for this variant (Variation ID: 1067264). Invitae Evidence Modeling of protein sequence and biophysical properties (such as structural, functional, and spatial information, amino acid conservation, physicochemical variation, residue mobility, and thermodynamic stability) indicates that this missense variant is expected to disrupt PRPH2 protein function with a positive predictive value of 95%. This variant disrupts the p.Val209 amino acid residue in PRPH2. Other variant(s) that disrupt this residue have been determined to be pathogenic (PMID: 29555955). This suggests that this residue is clinically significant, and that variants that disrupt this residue are likely to be disease-causing. In summary, the currently available evidence indicates that the variant is pathogenic, but additional data are needed to prove that conclusively. Therefore, this variant has been classified as Likely Pathogenic.

3billion
Classification: Likely pathogenic for Retinitis pigmentosa 7. Last evaluated: 2022-03-22. Review status: criteria provided, single submitter. Criteria: ACMG Guidelines, 2015. Collection method: clinical testing. Allele origin: germline. Affected: yes. Observed: 1 heterozygote.
Comment: Same nucleotide change resulting in same amino acid change has been previously reported to be associated with PRPH2 related disorder (ClinVar ID: VCV001067264). A different missense change at the same codon has been reported as pathogenic/likely pathogenic with strong evidence (ClinVar ID: VCV001067308, PMID:29555955). In silico tool predictions suggest damaging effect of the variant on gene or gene product (REVEL: 0.631>=0.6, 3CNET: 0.941>=0.75). A missense variant is a common mechanism associated with Retinitis pigmentosa 7 and digenic form. It is observed at an extremely low frequency in the gnomAD v2.1.1 dataset (total allele frequency: 0.0000317). Therefore, this variant is classified as likely pathogenic according to the recommendation of ACMG/AMP guideline.

Blueprint Genetics
Classification: Likely pathogenic for PRPH2-related disorders. Last evaluated: 2021-11-22. Review status: criteria provided, single submitter. Criteria: ACMG Guidelines, 2015. Collection method: clinical testing. Allele origin: germline. Affected: yes. Observed: 2 variant alleles.

Genetic Services Laboratory, University of Chicago
Classification: Likely pathogenic. Last evaluated: 2019-12-06. Review status: criteria provided, single submitter. Criteria: ACMG Guidelines, 2015. Collection method: clinical testing. Allele origin: germline. Affected: yes.
Comment: DNA sequence analysis of the PRPH2 gene demonstrated a sequence change, c.625G>A, in exon 2 that results in an amino acid change, p.Val209Ile. The p.Val209Ile change affects a highly conserved amino acid residue located in a domain of the PRPH2 protein that is known to be functional. The p.Val209Ile substitution appears to be deleterious using several in-silico pathogenicity prediction tools (SIFT, PolyPhen2, Align GVGD, REVEL). It was also reported in a patient with early-onset high myopia (PMID: 29453956). Functional studies have shown that the p.Val209Ile change results in increased splicing and protein expression (PMID: 26796962). Different sequence changes affecting the same amino acid residue (p.Val209Phe and p.Val209Asp) have also been described in patients with macular and cone-rod dystrophy (PMID: 28041643 and PMID: 29555955). This sequence change has been described in the gnomAD database with a low population frequency of 0.0028% (dbSNP rs753657349). The p.Val209Ile amino acid change occurs in a region of the PRPH2 gene where other missense sequence changes have been described in patients with ocular disorders including retinitis pigmentosa, foveamacular dystrophy, and central areolar choroidal dystrophy (PMID: 20213611). These collective evidences indicate that this sequence change is likely pathogenic.

Juno Genomics, Hangzhou Juno Genomics, Inc
Classification: Likely pathogenic for Retinitis pigmentosa 7; Pigmentary retinal dystrophy; Choroidal dystrophy, central areolar 2; Patterned macular dystrophy 1; Vitelliform macular dystrophy 3. Review status: criteria provided, single submitter. Criteria: ACMG Guidelines, 2015. Collection method: clinical testing. Allele origin: germline.
Comment: Absent from controls (or at extremely low frequency if recessive) in Genome Aggregation Database.;The prevalence of the variant in affected individuals is significantly increased compared to the prevalence in controls.;Patient's phenotype or family history is highly specific for a disease with a single genetic etiology.;Co-segregation with disease in multiple affected family members.;Well-established in vitro or in vivo functional studies supportive of a damaging effect on the gene or gene product.;Novel missense change at an amino acid residue where a different missense change determined to be pathogenic has been seen before.

Leiden Open Variation Database
Classification: Pathogenic. Last evaluated: 2021-04-06. Review status: no assertion criteria provided. Collection method: curation. Allele origin: germline. Affected: yes. Not counted in ClinVar's aggregate classification.
Comment: Curator: Global Variome, with Curator vacancy. Submitters to LOVD: LOVD, Manon Peeters. Comment: Variant observed de novo.

Literature cited by the submitters: PubMed 26796962 (cited by SingHealth Duke-NUS Institute of Precision Medicine); PubMed 20213611 (cited by 3 submitters); PubMed 29555955 (cited by Labcorp Genetics (formerly Invitae), Labcorp and 3billion); PubMed 28041643 (cited by 3billion); PubMed 29453956 (cited by Leiden Open Variation Database).